The following is an entry in ClinVar:

NM_014738.6(TMEM94):c.1445A>G (p.Asn482Ser)

Gene: TMEM94 (transmembrane protein 94; plus strand). Cytogenetic location: 17q25.1.
Variant type: single nucleotide variant.
Coding change: c.1445A>G on transcript NM_014738.6 (MANE Select); coding-DNA position 1445, A replaced by G.
Protein change: p.Asn482Ser; replaces asparagine 482 with serine.
Molecular consequence: missense variant.
Genome position (GRCh38, 1-based): chr17:75,491,749, A>G. VCF-style: chr17-75491749-A-G. GRCh37 (hg19) VCF-style: chr17-73487830-A-G.
Other names: NC_000017.10:g.73487830A>G; c.1475A>G, p.Asn492Ser (NM_001321148.2, NM_001351203.2); c.1457A>G, p.Asn486Ser (NM_001321149.2); c.1445A>G, p.Asn482Ser (NM_001351202.2); c.1445A>G (NM_014738.5); short protein forms N486S, N482S, N492S.
Identifiers: ClinVar variation 768916 (VCV000768916.7), dbSNP rs35709918, ClinGen allele CA8761854.
Genomic context (GRCh38, chr17:75,491,749, plus strand): 5'-AGCCCCATGAACGAGACGCCCTCCTGGCTGGCTCCCTGAACAACACCCTGCACCTTTCCA[A>G]TGAGCAGGAGCGTGGCGACTGGCCTGGCGAGGCTCCCAAGCCCCCCGAGCCCTATTCACA-3'
Protein context (NP_055553.3, residues 472-492): GSLNNTLHLS[Asn482Ser]EQERGDWPGE

ClinVar aggregate classification (germline): Benign. Review status: criteria provided, multiple submitters, no conflicts (2 of 4 stars). 3 submissions from 3 submitters: Benign (2). 1 of the submissions does not count toward it. Last evaluated 2019-12-31.

Conditions:
TMEM94-related disorder. Also called: TMEM94-related condition.

Allele frequency attached by ClinVar (database versions not stated): gnomAD exomes 0.00154 and 0.00341; ExAC 0.00419; 1000 Genomes Project 0.01198; gnomAD 0.01234 and 0.01336; 1000 Genomes Project 30x 0.01249; TOPMed 0.01434; ESP Exome Variant Server 0.01668.
gnomAD v4.1: 4,209 of 1,613,994 alleles (0.26%); highest among the groups gnomAD compares: African/African-American, 4.3%; 79 homozygotes.

Submissions (9):

Labcorp Genetics (formerly Invitae), Labcorp
Classification: Benign. Last evaluated: 2019-12-31. Review status: criteria provided, single submitter. Criteria: Invitae Variant Classification Sherloc (09022015). Collection method: clinical testing. Allele origin: germline.

Breakthrough Genomics
Classification: Benign. Review status: criteria provided, single submitter. Criteria: ACMG Guidelines, 2015. Collection method: not provided. Allele origin: germline. Inheritance: Autosomal recessive inheritance. Affected: yes.

PreventionGenetics, part of Exact Sciences
Classification: Benign for TMEM94-related condition. Last evaluated: 2024-09-11. Review status: no assertion criteria provided. Collection method: clinical testing. Allele origin: germline. Not counted in ClinVar's aggregate classification.
Comment: This variant is classified as benign based on ACMG/AMP sequence variant interpretation guidelines (Richards et al. 2015 PMID: 25741868, with internal and published modifications).

Dr. Peter K. Rogan Lab, Western University
No classification provided (evidence only). Condition: Colon adenocarcinoma. Review status: no classification provided. Collection method: in vitro. Allele origin: not applicable. Functional consequence: retained intron. Not counted in ClinVar's aggregate classification.

Dr. Peter K. Rogan Lab, Western University
No classification provided (evidence only). Condition: Uterine corpus endometrial carcinoma. Review status: no classification provided. Collection method: in vitro. Allele origin: not applicable. Functional consequence: skipped exon, retained intron. Not counted in ClinVar's aggregate classification.

Dr. Peter K. Rogan Lab, Western University
No classification provided (evidence only). Condition: Ovarian serous cystadenocarcinoma. Review status: no classification provided. Collection method: in vitro. Allele origin: not applicable. Functional consequence: retained intron. Not counted in ClinVar's aggregate classification.

Dr. Peter K. Rogan Lab, Western University
No classification provided (evidence only). Condition: Gastric cancer. Review status: no classification provided. Collection method: in vitro. Allele origin: not applicable. Functional consequence: retained intron. Not counted in ClinVar's aggregate classification.

Dr. Peter K. Rogan Lab, Western University
No classification provided (evidence only). Condition: Gastric cancer. Review status: no classification provided. Collection method: in vitro. Allele origin: not applicable. Functional consequence: retained intron. Not counted in ClinVar's aggregate classification.

Dr. Peter K. Rogan Lab, Western University
No classification provided (evidence only). Condition: Malignant tumor of esophagus. Review status: no classification provided. Collection method: in vitro. Allele origin: not applicable. Functional consequence: retained intron. Not counted in ClinVar's aggregate classification.